The following is an entry in ClinVar:

NM_002335.4(LRP5):c.4462A>G (p.Ser1488Gly)

Gene: LRP5 (LDL receptor related protein 5; plus strand). Cytogenetic location: 11q13.2.
Variant type: single nucleotide variant.
Coding change: c.4462A>G on transcript NM_002335.4 (MANE Select); coding-DNA position 4462, A replaced by G.
Protein change: p.Ser1488Gly; replaces serine 1488 with glycine.
Molecular consequence: missense variant.
Genome position (GRCh38, 1-based): chr11:68,439,890, A>G. VCF-style: chr11-68439890-A-G. GRCh37 (hg19) VCF-style: chr11-68207358-A-G.
Other names: c.2719A>G, p.Ser907Gly (NM_001291902.2); short protein forms S907G, S1488G.
Identifiers: ClinVar variation 862705 (VCV000862705.9), dbSNP rs2098677225, ClinGen allele CA381616185.

ClinVar aggregate classification (germline): Uncertain significance (1 of 4 stars; one submission).

Submission:

Labcorp Genetics (formerly Invitae), Labcorp
Classification: Uncertain significance. Last evaluated: 2022-02-05. Review status: criteria provided, single submitter. Criteria: Invitae Variant Classification Sherloc (09022015). Collection method: clinical testing. Allele origin: germline.
Comment: This sequence change replaces serine, which is neutral and polar, with glycine, which is neutral and non-polar, at codon 1488 of the LRP5 protein (p.Ser1488Gly). This variant is not present in population databases (gnomAD no frequency). This variant has not been reported in the literature in individuals affected with LRP5-related conditions. ClinVar contains an entry for this variant (Variation ID: 862705). Advanced modeling of protein sequence and biophysical properties (such as structural, functional, and spatial information, amino acid conservation, physicochemical variation, residue mobility, and thermodynamic stability) performed at Invitae indicates that this missense variant is not expected to disrupt LRP5 protein function. In summary, the available evidence is currently insufficient to determine the role of this variant in disease. Therefore, it has been classified as a Variant of Uncertain Significance.